The following is an entry in ClinVar:

ClinVar aggregate classification (germline): Uncertain significance (1 of 4 stars; one submission).

Conditions:
TWIST1-related craniosynostosis (CRS1). Also called: CRANIOSYNOSTOSIS 1. Identifiers: Orphanet 63440, MedGen C4551902, MONDO:0007399, OMIM 123100. Inheritance: Heterogenous inheritance pattern.

Submission:

Labcorp Genetics (formerly Invitae), Labcorp
Classification: Uncertain significance for TWIST1-related craniosynostosis. Last evaluated: 2025-03-19. Review status: criteria provided, single submitter. Criteria: Invitae Variant Classification Sherloc (09022015). Collection method: clinical testing. Allele origin: germline.
Comment: This sequence change replaces arginine, which is basic and polar, with cysteine, which is neutral and slightly polar, at codon 493 of the ERF protein (p.Arg493Cys). This variant is present in population databases (no rsID available, gnomAD 0.007%). This variant has not been reported in the literature in individuals affected with ERF-related conditions. Invitae Evidence Modeling of protein sequence and biophysical properties (such as structural, functional, and spatial information, amino acid conservation, physicochemical variation, residue mobility, and thermodynamic stability) indicates that this missense variant is not expected to disrupt ERF protein function with a negative predictive value of 95%. In summary, the available evidence is currently insufficient to determine the role of this variant in disease. Therefore, it has been classified as a Variant of Uncertain Significance.

NM_006494.4(ERF):c.1477C>T (p.Arg493Cys)

Gene: ERF (ETS2 repressor factor; minus strand). Cytogenetic location: 19q13.2.
Variant type: single nucleotide variant.
Coding change: c.1477C>T on transcript NM_006494.4 (MANE Select); coding-DNA position 1477, C replaced by T.
Protein change: p.Arg493Cys; replaces arginine 493 with cysteine.
Molecular consequence: missense variant.
Genome position (GRCh38, 1-based): chr19:42,248,635, G>A on the plus strand (C>T on the coding strand, the complement: ERF is on the minus strand). VCF-style: chr19-42248635-G-A. GRCh37 (hg19) VCF-style: chr19-42752787-G-A.
Other names: c.1252C>T, p.Arg418Cys (NM_001301035.2, NM_001308402.2, NM_001312656.2 and 1 more transcripts); c.670C>T, p.Arg224Cys (NM_001440421.1); short protein forms R418C, R493C, R224C.
Identifiers: ClinVar variation 4775737 (VCV004775737.1).